The following is an entry in ClinVar:

NM_015102.5(NPHP4):c.871_889delinsC (p.Val291_Phe297delinsLeu)

Gene: NPHP4 (nephrocystin 4; minus strand). Cytogenetic location: 1p36.31.
Variant type: Indel.
Coding change: c.871_889delinsC on transcript NM_015102.5 (MANE Select); coding-DNA positions 871 to 889, GTGCACAATGGTCTGGGCT replaced by C.
Protein change: p.Val291_Phe297delinsLeu.
Molecular consequence: inframe indel. On other transcripts: 5 prime UTR variant (2), non-coding transcript variant (1).
Genome position (GRCh38, 1-based): chr1:5,948,173-5,948,191, AGCCCAGACCATTGTGCAC replaced by G on the plus strand (GTGCACAATGGTCTGGGCT replaced by C on the coding strand, the reverse complement: NPHP4 is on the minus strand). VCF-style: chr1-5948173-AGCCCAGACCATTGTGCAC-G. GRCh37 (hg19) VCF-style: chr1-6008233-AGCCCAGACCATTGTGCAC-G.
Other names: c.-496_-478delinsC (NM_001291593.2, NM_001291594.2).
Identifiers: ClinVar variation 531622 (VCV000531622.7), dbSNP rs1553186265, ClinGen allele CA658795379.

ClinVar aggregate classification (germline): Uncertain significance. Review status: criteria provided, single submitter (1 of 4 stars). 2 submissions from 2 submitters: Uncertain significance (1). 1 of the submissions does not count toward it. Last evaluated 2018-01-23.

Conditions:
Nephronophthisis. Also called: Juvenile Nephronophthisis. Identifiers: Orphanet 655, MedGen C0687120, MONDO:0019005, HP:0000090.

Submissions (2):

Labcorp Genetics (formerly Invitae), Labcorp
Classification: Uncertain significance for Nephronophthisis. Last evaluated: 2018-01-23. Review status: criteria provided, single submitter. Criteria: Invitae Variant Classification Sherloc (09022015). Collection method: clinical testing. Allele origin: germline.
Comment: In summary, the available evidence is currently insufficient to determine the role of this variant in disease. Therefore, it has been classified as a Variant of Uncertain Significance. Experimental studies and prediction algorithms are not available for this variant, and the functional significance of the disrupted amino acids is currently unknown. This variant has not been reported in the literature in individuals with NPHP4-related disease. The frequency data for this variant in the population databases is considered unreliable, as metrics indicate poor data quality at this position in the ExAC database. This variant, c.871_889delinsC, is a complex sequence change that results in the deletion of 7 amino acids and the insertion of 1 amino acid to the NPHP4 protein (p.Val291_Phe297delinsLeu), but otherwise preserves the integrity of the reading frame.

Sydney Genome Diagnostics, Children's Hospital Westmead
Classification: Uncertain significance for Nephronophthisis. Last evaluated: 2018-02-21. Review status: no assertion criteria provided. Collection method: clinical testing. Allele origin: unknown. Affected: yes. Observed: 1 variant allele, 1 compound heterozygote. Not counted in ClinVar's aggregate classification.
Comment: This in-frame variant results in the replacement of 7 amino acids Val291 to Phe297 with a single leucine residue. This variant has not been reported in any population databases (i.e. ExAC, ESP or dbSNP). To our knowledge, this variant has not been previously reported in the literature or any disease specific databases. This variant is considered to be a variant of uncertain significance (VOUS) according to the ACMG guidelines.